The following is an entry in ClinVar:

NM_001424.6(EMP2):c.390C>A (p.Phe130Leu)

Gene: EMP2 (epithelial membrane protein 2; minus strand). Cytogenetic location: 16p13.13.
Variant type: single nucleotide variant.
Coding change: c.390C>A on transcript NM_001424.6 (MANE Select); coding-DNA position 390, C replaced by A.
Protein change: p.Phe130Leu; replaces phenylalanine 130 with leucine.
Molecular consequence: missense variant.
Genome position (GRCh38, 1-based): chr16:10,533,019, G>T on the plus strand (C>A on the coding strand, the complement: EMP2 is on the minus strand). VCF-style: chr16-10533019-G-T. GRCh37 (hg19) VCF-style: chr16-10626876-G-T.
Other names: short protein forms F130L.
Identifiers: ClinVar variation 1948446 (VCV001948446.5), dbSNP rs267604403, ClinGen allele CA394716178.

ClinVar aggregate classification (germline): Uncertain significance (1 of 4 stars; one submission).

Allele frequency attached by ClinVar (database versions not stated): TOPMed 0.00001.

Submission:

Labcorp Genetics (formerly Invitae), Labcorp
Classification: Uncertain significance. Last evaluated: 2022-08-23. Review status: criteria provided, single submitter. Criteria: Invitae Variant Classification Sherloc (09022015). Collection method: clinical testing. Allele origin: germline.
Comment: In summary, the available evidence is currently insufficient to determine the role of this variant in disease. Therefore, it has been classified as a Variant of Uncertain Significance. Algorithms developed to predict the effect of missense changes on protein structure and function output the following: SIFT: "Tolerated"; PolyPhen-2: "Benign"; Align-GVGD: "Class C0". The leucine amino acid residue is found in multiple mammalian species, which suggests that this missense change does not adversely affect protein function. This variant has not been reported in the literature in individuals affected with EMP2-related conditions. This variant is not present in population databases (gnomAD no frequency). This sequence change replaces phenylalanine, which is neutral and non-polar, with leucine, which is neutral and non-polar, at codon 130 of the EMP2 protein (p.Phe130Leu).